The following is an entry in ClinVar:

NM_000380.4(XPA):c.640A>G (p.Met214Val)

Gene: XPA (XPA, DNA damage recognition and repair factor; minus strand). Cytogenetic location: 9q22.33.
Variant type: single nucleotide variant.
Coding change: c.640A>G on transcript NM_000380.4 (MANE Select); coding-DNA position 640, A replaced by G.
Protein change: p.Met214Val; replaces methionine 214 with valine.
Molecular consequence: missense variant. On other transcripts: non-coding transcript variant (5).
Genome position (GRCh38, 1-based): chr9:97,684,956, T>C on the plus strand (A>G on the coding strand, the complement: XPA is on the minus strand). VCF-style: chr9-97684956-T-C. GRCh37 (hg19) VCF-style: chr9-100447238-T-C.
Other names: NC_000009.11:g.100447238T>C; c.514A>G, p.Met172Val (NM_001354975.2); short protein forms M172V, M214V.
Identifiers: ClinVar variation 4349761 (VCV004349761.3).

ClinVar aggregate classification (germline): Uncertain significance (1 of 4 stars; one submission).

gnomAD v4.1: 3 of 1,613,548 alleles (0.00019%); highest among the groups gnomAD compares: Admixed American, 0.0033%; no homozygotes.

Submissions (2):

Dasa
Classification: Uncertain significance. Last evaluated: 2024-12-09. Review status: criteria provided, single submitter. Criteria: DASA Assertion Criteria. Collection method: clinical testing. Allele origin: germline.
Comment: NM_000380.4(XPA):c.640A>G (p.Met214Val) is a missense variant that results in the substitution of methionine with valine. This variant is rare in population databases. Computational prediction algorithms are consistent with a benign effect. The currently available literature and clinical evidence are not sufficient to establish a definitive association between this variant and the reported condition. Therefore, this variant is classified as a variant of uncertain significance.

Dr. Peter K. Rogan Lab, Western University
No classification provided (evidence only). Condition: Gastric cancer. Review status: no classification provided. Collection method: in vitro. Allele origin: not applicable. Functional consequence: retained intron. Not counted in ClinVar's aggregate classification.